The following is an entry in ClinVar:

NM_001378452.1(ITPR1):c.5001G>T (p.Lys1667Asn)

Genes: BRRIAR (BHLHE40 and RIG-I regulating ITPR1 antisense RNA; minus strand), ITPR1 (inositol 1,4,5-trisphosphate receptor type 1; plus strand). Cytogenetic location: 3p26.1.
Variant type: single nucleotide variant.
Coding change: c.5001G>T on transcript NM_001378452.1 (MANE Select); coding-DNA position 5001, G replaced by T.
Protein change: p.Lys1667Asn; replaces lysine 1667 with asparagine.
Molecular consequence: missense variant.
Genome position (GRCh38, 1-based): chr3:4,711,766, G>T. VCF-style: chr3-4711766-G-T. GRCh37 (hg19) VCF-style: chr3-4753450-G-T.
Other names: c.4974G>T, p.Lys1658Asn (NM_001099952.4); c.4956G>T, p.Lys1652Asn (NM_001168272.2); c.4929G>T, p.Lys1643Asn (NM_002222.7); short protein forms K1652N, K1658N, K1643N, K1667N.
Identifiers: ClinVar variation 3656393 (VCV003656393.2).

ClinVar aggregate classification (germline): Uncertain significance (1 of 4 stars; one submission).

Submission:

Labcorp Genetics (formerly Invitae), Labcorp
Classification: Uncertain significance. Last evaluated: 2024-06-12. Review status: criteria provided, single submitter. Criteria: Invitae Variant Classification Sherloc (09022015). Collection method: clinical testing. Allele origin: germline.
Comment: This sequence change replaces lysine, which is basic and polar, with asparagine, which is neutral and polar, at codon 1643 of the ITPR1 protein (p.Lys1643Asn). This variant is not present in population databases (gnomAD no frequency). This variant has not been reported in the literature in individuals affected with ITPR1-related conditions. Advanced modeling of protein sequence and biophysical properties (such as structural, functional, and spatial information, amino acid conservation, physicochemical variation, residue mobility, and thermodynamic stability) performed at Invitae indicates that this missense variant is not expected to disrupt ITPR1 protein function with a negative predictive value of 95%. In summary, the available evidence is currently insufficient to determine the role of this variant in disease. Therefore, it has been classified as a Variant of Uncertain Significance.